The following is an entry in ClinVar:

NM_001289125.3(IFNAR2):c.655G>A (p.Ala219Thr)

Genes: IFNAR2 (interferon alpha and beta receptor subunit 2; plus strand), IFNAR2-IL10RB (IFNAR2-IL10RB readthrough; plus strand). Cytogenetic location: 21q22.11.
Variant type: single nucleotide variant.
Coding change: c.655G>A on transcript NM_001289125.3 (MANE Select); coding-DNA position 655, G replaced by A.
Protein change: p.Ala219Thr; replaces alanine 219 with threonine.
Molecular consequence: missense variant.
Genome position (GRCh38, 1-based): chr21:33,252,776, G>A. VCF-style: chr21-33252776-G-A. GRCh37 (hg19) VCF-style: chr21-34625081-G-A.
Other names: c.655G>A, p.Ala219Thr (NM_001414505.1, NM_000874.5, NM_001289126.2 and 5 more transcripts); short protein forms A219T.
Identifiers: ClinVar variation 2114832 (VCV002114832.4), dbSNP rs1220605725, ClinGen allele CA410100810.

ClinVar aggregate classification (germline): Uncertain significance (1 of 4 stars; one submission).

Allele frequency attached by ClinVar (database versions not stated): gnomAD exomes below 0.00001.

Submission:

Labcorp Genetics (formerly Invitae), Labcorp
Classification: Uncertain significance. Last evaluated: 2022-03-26. Review status: criteria provided, single submitter. Criteria: Invitae Variant Classification Sherloc (09022015). Collection method: clinical testing. Allele origin: germline.
Comment: Algorithms developed to predict the effect of missense changes on protein structure and function output the following: SIFT: "Tolerated"; PolyPhen-2: "Benign"; Align-GVGD: "Class C0". The threonine amino acid residue is found in multiple mammalian species, which suggests that this missense change does not adversely affect protein function. In summary, the available evidence is currently insufficient to determine the role of this variant in disease. Therefore, it has been classified as a Variant of Uncertain Significance. This variant has not been reported in the literature in individuals affected with IFNAR2-related conditions. This variant is present in population databases (no rsID available, gnomAD 0.007%). This sequence change replaces alanine, which is neutral and non-polar, with threonine, which is neutral and polar, at codon 219 of the IFNAR2 protein (p.Ala219Thr).